The following is an entry in ClinVar:

NM_058216.3(RAD51C):c.186A>C (p.Gln62His)

Gene: RAD51C (RAD51 paralog C; plus strand). Cytogenetic location: 17q22.
Variant type: single nucleotide variant.
Coding change: c.186A>C on transcript NM_058216.3 (MANE Select); coding-DNA position 186, A replaced by C.
Protein change: p.Gln62His; replaces glutamine 62 with histidine.
Molecular consequence: missense variant. On other transcripts: non-coding transcript variant (2).
Genome position (GRCh38, 1-based): chr17:58,694,971, A>C. VCF-style: chr17-58694971-A-C. GRCh37 (hg19) VCF-style: chr17-56772332-A-C.
Other names: c.186A>C, p.Gln62His (NM_002876.4); short protein forms Q62H.
Identifiers: ClinVar variation 439294 (VCV000439294.19), dbSNP rs28363303, ClinGen allele CA400339812.

ClinVar aggregate classification (germline): Conflicting classifications of pathogenicity. Review status: criteria provided, conflicting classifications (1 of 4 stars). 6 submissions from 6 submitters: Uncertain significance (5); Likely benign (1). Last evaluated 2025-12-12.

Conditions:
Hereditary cancer-predisposing syndrome. Also called: Hereditary Cancer Syndrome; Hereditary neoplastic syndrome; Tumor predisposition; Neoplastic Syndromes, Hereditary. Identifiers: Orphanet 140162, MedGen C0027672, MeSH D009386, MONDO:0015356.
Fanconi anemia complementation group O. Also called: RAD51C-Related Fanconi Anemia. Identifiers: Orphanet 84, MedGen C3150653, MONDO:0013248, OMIM 613390.

Submissions (6):

Women's Health and Genetics/Laboratory Corporation of America, LabCorp
Classification: Uncertain significance. Last evaluated: 2025-12-12. Review status: criteria provided, single submitter. Criteria: LabCorp Variant Classification Summary - May 2015. Collection method: clinical testing. Allele origin: germline.

Labcorp Genetics (formerly Invitae), Labcorp
Classification: Uncertain significance for Fanconi anemia complementation group O. Last evaluated: 2025-08-24. Review status: criteria provided, single submitter. Criteria: Invitae Variant Classification Sherloc (09022015). Collection method: clinical testing. Allele origin: germline.
Comment: This sequence change replaces glutamine, which is neutral and polar, with histidine, which is basic and polar, at codon 62 of the RAD51C protein (p.Gln62His). This variant is not present in population databases (gnomAD no frequency). This variant has not been reported in the literature in individuals affected with RAD51C-related conditions. ClinVar contains an entry for this variant (Variation ID: 439294). Invitae Evidence Modeling of protein sequence and biophysical properties (such as structural, functional, and spatial information, amino acid conservation, physicochemical variation, residue mobility, and thermodynamic stability) indicates that this missense variant is not expected to disrupt RAD51C protein function with a negative predictive value of 80%. In summary, the available evidence is currently insufficient to determine the role of this variant in disease. Therefore, it has been classified as a Variant of Uncertain Significance.

Ambry Genetics
Classification: Likely benign for Hereditary cancer-predisposing syndrome. Last evaluated: 2024-06-27. Review status: criteria provided, single submitter. Criteria: Ambry Variant Classification Scheme 2023. Collection method: clinical testing. Allele origin: germline.

Color Diagnostics, LLC DBA Color Health
Classification: Uncertain significance for Hereditary cancer-predisposing syndrome. Last evaluated: 2024-04-02. Review status: criteria provided, single submitter. Criteria: ACMG Guidelines, 2015. Collection method: clinical testing. Allele origin: germline.
Comment: This missense variant replaces glutamine with histidine at codon 62 of the RAD51C protein. Computational prediction suggests that this variant may not impact protein structure and function. To our knowledge, functional studies have not been reported for this variant. This variant has not been reported in individuals affected with RAD51C-related disorders in the literature. This variant has not been identified in the general population by the Genome Aggregation Database (gnomAD). The available evidence is insufficient to determine the role of this variant in disease conclusively. Therefore, this variant is classified as a Variant of Uncertain Significance.

GeneDx
Classification: Uncertain significance. Last evaluated: 2023-07-31. Review status: criteria provided, single submitter. Criteria: GeneDx Variant Classification Process June 2021. Collection method: clinical testing. Allele origin: germline. Affected: yes.
Comment: Not observed at significant frequency in large population cohorts (gnomAD); In silico analysis supports that this missense variant has a deleterious effect on protein structure/function; Has not been previously published as pathogenic or benign to our knowledge

Quest Diagnostics Nichols Institute San Juan Capistrano
Classification: Uncertain significance. Last evaluated: 2017-05-06. Review status: criteria provided, single submitter. Criteria: Quest Diagnostics criteria. Collection method: clinical testing. Allele origin: germline.